The following is an entry in ClinVar:

NM_000199.5(SGSH):c.726C>G (p.Thr242=)

Gene: SGSH (N-sulfoglucosamine sulfohydrolase; minus strand). Cytogenetic location: 17q25.3.
Variant type: single nucleotide variant.
Coding change: c.726C>G on transcript NM_000199.5 (MANE Select); coding-DNA position 726, C replaced by G.
Protein change: p.Thr242=; no amino-acid change (threonine 242 retained).
Molecular consequence: synonymous variant. On other transcripts: non-coding transcript variant (1).
Genome position (GRCh38, 1-based): chr17:80,213,823, G>C on the plus strand (C>G on the coding strand, the complement: SGSH is on the minus strand). VCF-style: chr17-80213823-G-C. GRCh37 (hg19) VCF-style: chr17-78187622-G-C.
Other names: c.726C>G, p.Thr242= (NM_001352921.3, NM_001352922.2).
Identifiers: ClinVar variation 3339137 (VCV003339137.1).

ClinVar aggregate classification (germline): Likely benign (1 of 4 stars; one submission).

Submission:

Women's Health and Genetics/Laboratory Corporation of America, LabCorp
Classification: Likely benign. Last evaluated: 2024-07-05. Review status: criteria provided, single submitter. Criteria: LabCorp Variant Classification Summary - May 2015. Collection method: clinical testing. Allele origin: germline.
Comment: Variant summary: SGSH c.726C>G alters a non-conserved nucleotide resulting in a synonymous change. At-least one computation tool predicts no significant impact on normal splicing. However, this prediction has yet to be confirmed by functional studies. The variant was absent in 235100 control chromosomes. The available data on variant occurrences in the general population are insufficient to allow any conclusion about variant significance. To our knowledge, no occurrence of c.726C>G in individuals affected with Mucopolysaccharidosis Type IIIA (Sanfilippo Syndrome A) and no experimental evidence demonstrating its impact on protein function have been reported. No submitters have cited clinical-significance assessments for this variant to ClinVar. Based on the evidence outlined above, the variant was classified as likely benign.